The following is an entry in ClinVar:

NM_004336.5(BUB1):c.176A>G (p.Lys59Arg)

Gene: BUB1 (BUB1 mitotic checkpoint serine/threonine kinase; minus strand). Cytogenetic location: 2q13.
Variant type: single nucleotide variant.
Coding change: c.176A>G on transcript NM_004336.5 (MANE Select); coding-DNA position 176, A replaced by G.
Protein change: p.Lys59Arg; replaces lysine 59 with arginine.
Molecular consequence: missense variant.
Genome position (GRCh38, 1-based): chr2:110,674,135, T>C on the plus strand (A>G on the coding strand, the complement: BUB1 is on the minus strand). VCF-style: chr2-110674135-T-C. GRCh37 (hg19) VCF-style: chr2-111431712-T-C.
Other names: c.116A>G, p.Lys39Arg (NM_001278616.2); c.176A>G, p.Lys59Arg (NM_001278617.2); short protein forms K39R, K59R.
Identifiers: ClinVar variation 2375546 (VCV002375546.6), dbSNP rs146421351, ClinGen allele CA1828438.

ClinVar aggregate classification (germline): Uncertain significance. Review status: criteria provided, multiple submitters, no conflicts (2 of 4 stars). 2 submissions from 2 submitters: Uncertain significance (2). Last evaluated 2025-09-22.

Allele frequency attached by ClinVar (database versions not stated): TOPMed 0.00019; ESP Exome Variant Server 0.00023; gnomAD 0.00025; gnomAD exomes 0.00003; ExAC 0.00006.
gnomAD v4.1: 92 of 1,569,790 alleles (0.0059%); highest among the groups gnomAD compares: African/African-American, 0.096%; no homozygotes.

Submissions (2):

Labcorp Genetics (formerly Invitae), Labcorp
Classification: Uncertain significance. Last evaluated: 2025-09-22. Review status: criteria provided, single submitter. Criteria: Invitae Variant Classification Sherloc (09022015). Collection method: clinical testing. Allele origin: germline.
Comment: This sequence change replaces lysine, which is basic and polar, with arginine, which is basic and polar, at codon 59 of the BUB1 protein (p.Lys59Arg). This variant is present in population databases (rs146421351, gnomAD 0.1%), and has an allele count higher than expected for a pathogenic variant. This variant has not been reported in the literature in individuals affected with BUB1-related conditions. ClinVar contains an entry for this variant (Variation ID: 2375546). Experimental studies and prediction algorithms are not available or were not evaluated, and the functional significance of this variant is currently unknown. In summary, the available evidence is currently insufficient to determine the role of this variant in disease. Therefore, it has been classified as a Variant of Uncertain Significance.

Ambry Genetics
Classification: Uncertain significance. Last evaluated: 2024-09-03. Review status: criteria provided, single submitter. Criteria: Ambry Variant Classification Scheme 2023. Collection method: clinical testing. Allele origin: germline.